The following is an entry in ClinVar:

NM_000191.3(HMGCL):c.348G>A (p.Ala116=)

Gene: HMGCL (3-hydroxy-3-methylglutaryl-CoA lyase; minus strand). Cytogenetic location: 1p36.11.
Variant type: single nucleotide variant.
Coding change: c.348G>A on transcript NM_000191.3 (MANE Select); coding-DNA position 348, G replaced by A.
Protein change: p.Ala116=; no amino-acid change (alanine 116 retained).
Molecular consequence: synonymous variant.
Genome position (GRCh38, 1-based): chr1:23,816,675, C>T on the plus strand (G>A on the coding strand, the complement: HMGCL is on the minus strand). VCF-style: chr1-23816675-C-T. GRCh37 (hg19) VCF-style: chr1-24143165-C-T.
Other names: c.348G>A, p.Ala116= (NM_001166059.2).
Identifiers: ClinVar variation 1997414 (VCV001997414.3), dbSNP rs189198317, ClinGen allele CA686128.

ClinVar aggregate classification (germline): Uncertain significance. Review status: criteria provided, multiple submitters, no conflicts (2 of 4 stars). 2 submissions from 2 submitters: Uncertain significance (2). Last evaluated 2022-11-22.

Conditions:
Deficiency of hydroxymethylglutaryl-CoA lyase (HMGCLD). Also called: HMGCL DEFICIENCY; HYDROXYMETHYLGLUTARIC ACIDURIA; HMG-CoA LYASE DEFICIENCY; Defect in leucine metabolism; 3-hydroxy-3-methylglutaric aciduria. Identifiers: Orphanet 20, MedGen C1533587, MONDO:0009520, OMIM 246450.

Allele frequency attached by ClinVar (database versions not stated): gnomAD exomes 0.00001; ExAC 0.00004; gnomAD 0.00004; TOPMed 0.00006; ESP Exome Variant Server 0.00008; 1000 Genomes Project 30x 0.00016; 1000 Genomes Project 0.00020.
gnomAD v4.1: 25 of 1,590,470 alleles (0.0016%); highest among the groups gnomAD compares: East Asian, 0.013%; no homozygotes.

Submissions (3):

Blueprint Genetics
Classification: Uncertain significance. Last evaluated: 2022-11-22. Review status: criteria provided, single submitter. Criteria: ACMG Guidelines, 2015. Collection method: clinical testing. Allele origin: germline.

Labcorp Genetics (formerly Invitae), Labcorp
Classification: Uncertain significance for Deficiency of hydroxymethylglutaryl-CoA lyase. Last evaluated: 2022-07-15. Review status: criteria provided, single submitter. Criteria: Invitae Variant Classification Sherloc (09022015). Collection method: clinical testing. Allele origin: germline.
Comment: This sequence change affects codon 116 of the HMGCL mRNA. It is a 'silent' change, meaning that it does not change the encoded amino acid sequence of the HMGCL protein. This variant also falls at the last nucleotide of exon 4, which is part of the consensus splice site for this exon. This variant is present in population databases (rs189198317, gnomAD 0.03%). This variant has not been reported in the literature in individuals affected with HMGCL-related conditions. Variants that disrupt the consensus splice site are a relatively common cause of aberrant splicing (PMID: 17576681, 9536098). Algorithms developed to predict the effect of sequence changes on RNA splicing suggest that this variant may disrupt the consensus splice site. In summary, the available evidence is currently insufficient to determine the role of this variant in disease. Therefore, it has been classified as a Variant of Uncertain Significance.

Dr. Peter K. Rogan Lab, Western University
No classification provided (evidence only). Condition: Hepatocellular carcinoma. Review status: no classification provided. Collection method: in vitro. Allele origin: not applicable. Functional consequence: skipped exon, retained intron. Not counted in ClinVar's aggregate classification.

Literature cited by the submitters: PubMed 17576681 (cited by Labcorp Genetics (formerly Invitae), Labcorp); PubMed 9536098 (cited by Labcorp Genetics (formerly Invitae), Labcorp).